The following is an entry in ClinVar:

NM_000312.4(PROC):c.699G>T (p.Lys233Asn)

Gene: PROC (protein C, inactivator of coagulation factors Va and VIIIa; plus strand). Cytogenetic location: 2q14.3.
Variant type: single nucleotide variant.
Coding change: c.699G>T on transcript NM_000312.4 (MANE Select); coding-DNA position 699, G replaced by T.
Protein change: p.Lys233Asn; replaces lysine 233 with asparagine.
Molecular consequence: missense variant.
Genome position (GRCh38, 1-based): chr2:127,427,125, G>T. VCF-style: chr2-127427125-G-T. GRCh37 (hg19) VCF-style: chr2-128184701-G-T.
Other names: c.867G>T, p.Lys289Asn (NM_001375606.1); c.885G>T, p.Lys295Asn (NM_001375607.1); c.642G>T, p.Lys214Asn (NM_001375608.1); c.675G>T, p.Lys225Asn (NM_001375609.1); c.693G>T, p.Lys231Asn (NM_001375610.1); c.699G>T, p.Lys233Asn (NM_001375611.1, NM_001375613.1); c.882G>T, p.Lys294Asn (NM_001375602.1); c.864G>T, p.Lys288Asn (NM_001375603.1); and 2 more; short protein forms K214N, K254N, K225N, K233N, K267N, K289N, K295N, K231N.
Identifiers: ClinVar variation 2153296 (VCV002153296.4), dbSNP rs1296711132, ClinGen allele CA348402078.

ClinVar aggregate classification (germline): Uncertain significance (1 of 4 stars; one submission).

Conditions:
Thrombophilia due to protein C deficiency, autosomal dominant. Also called: PROC DEFICIENCY, AUTOSOMAL DOMINANT; PROTEIN C DEFICIENCY, AUTOSOMAL DOMINANT. Identifiers: Orphanet 745, MedGen C2674321, MONDO:0008316, OMIM 176860. Disease mechanism: loss of function.

Allele frequency attached by ClinVar (database versions not stated): gnomAD 0.00001; TOPMed 0.00001.
gnomAD v4.1: 30 of 1,613,832 alleles (0.0019%); highest among the groups gnomAD compares: Non-Finnish European, 0.0024%; no homozygotes.

Submission:

Labcorp Genetics (formerly Invitae), Labcorp
Classification: Uncertain significance for Thrombophilia due to protein C deficiency, autosomal dominant. Last evaluated: 2022-06-28. Review status: criteria provided, single submitter. Criteria: Invitae Variant Classification Sherloc (09022015). Collection method: clinical testing. Allele origin: germline.
Comment: In summary, the available evidence is currently insufficient to determine the role of this variant in disease. Therefore, it has been classified as a Variant of Uncertain Significance. Algorithms developed to predict the effect of missense changes on protein structure and function (SIFT, PolyPhen-2, Align-GVGD) all suggest that this variant is likely to be tolerated. This variant has not been reported in the literature in individuals affected with PROC-related conditions. This variant is present in population databases (no rsID available, gnomAD 0.0009%). This sequence change replaces lysine, which is basic and polar, with asparagine, which is neutral and polar, at codon 233 of the PROC protein (p.Lys233Asn).